The following is an entry in ClinVar:

NM_000093.5(COL5A1):c.*489A>G

Genes: COL5A1 (collagen type V alpha 1 chain; plus strand), LOC101448202 (uncharacterized LOC101448202; minus strand). Cytogenetic location: 9q34.3.
Variant type: single nucleotide variant.
Coding change: c.*489A>G on transcript NM_000093.5 (MANE Select); 489 bases downstream of the stop codon, A replaced by G.
Molecular consequence: 3 prime UTR variant.
Genome position (GRCh38, 1-based): chr9:134,842,792, A>G. VCF-style: chr9-134842792-A-G. GRCh37 (hg19) VCF-style: chr9-137734638-A-G.
Other names: c.*489A>G (NM_001278074.1).
Identifiers: ClinVar variation 913788 (VCV000913788.5), dbSNP rs142194317, ClinGen allele CA201120437.

ClinVar aggregate classification (germline): Benign (1 of 4 stars; one submission).

Conditions:
Ehlers-Danlos syndrome, classic type (cEDS). Identifiers: Orphanet 287, MedGen C4225429, MONDO:0007522.

Allele frequency attached by ClinVar (database versions not stated): gnomAD 0.00005 and 0.00012; gnomAD exomes 0.00008; TOPMed 0.00009; 1000 Genomes Project 30x 0.00109; 1000 Genomes Project 0.00140.
gnomAD v4.1: 22 of 191,038 alleles (0.012%); highest among the groups gnomAD compares: East Asian, 0.23%; 1 homozygote.

Submission:

Illumina Laboratory Services, Illumina
Classification: Benign for Ehlers-Danlos syndrome, classic type, 1. Last evaluated: 2018-03-20. Review status: criteria provided, single submitter. Criteria: ICSL Variant Classification Criteria 13 December 2019. Collection method: clinical testing. Allele origin: germline.
Comment: This variant was observed in the ICSL laboratory as part of a predisposition screen in an ostensibly healthy population. It had not been previously curated by ICSL or reported in the Human Gene Mutation Database (HGMD: prior to June 1st, 2018), and was therefore a candidate for classification through an automated scoring system. Utilizing variant allele frequency, disease prevalence and penetrance estimates, and inheritance mode, an automated score was calculated to assess if this variant is too frequent to cause the disease. Based on the score and internal cut-off values, a variant classified as benign is not then subjected to further curation. The score for this variant resulted in a classification of benign for this disease.